The following is an entry in ClinVar:

ClinVar aggregate classification (germline): Likely benign (1 of 4 stars; one submission).

Submission:

CeGaT Center for Human Genetics Tuebingen
Classification: Likely benign. Last evaluated: 2025-08-01. Review status: criteria provided, single submitter. Criteria: CeGaT Center For Human Genetics Tuebingen Variant Classification Criteria Version 2. Collection method: clinical testing. Allele origin: germline. Affected: yes. Observed: 1 variant allele.
Comment: GPC3: PM2:Supporting, BP4, BP7

NM_004484.4(GPC3):c.819C>T (p.Pro273=)

Gene: GPC3 (glypican 3; minus strand). Cytogenetic location: Xq26.2.
Variant type: single nucleotide variant.
Coding change: c.819C>T on transcript NM_004484.4 (MANE Select); coding-DNA position 819, C replaced by T.
Protein change: p.Pro273=; no amino-acid change (proline 273 retained).
Molecular consequence: synonymous variant.
Genome position (GRCh38, 1-based): chrX:133,753,695, G>A on the plus strand (C>T on the coding strand, the complement: GPC3 is on the minus strand). VCF-style: chrX-133753695-G-A. GRCh37 (hg19) VCF-style: chrX-132887722-G-A.
Other names: c.819C>T, p.Pro273= (NM_001164617.2); c.771C>T, p.Pro257= (NM_001164618.2); c.657C>T, p.Pro219= (NM_001164619.2).
Identifiers: ClinVar variation 4083918 (VCV004083918.8).
Genomic context (GRCh38, chrX:133,753,695, plus strand): 5'-GTCAATCTCCACCACACCTGCCATACAGCCTTGCATGACCACATTGCAGTAACCGCCACA[G>A]GGTTTAACCATCATCAGTCCCTGGCAGTAAGAGCAGTACCACATTCTGGTGAGCATTCGG-3'
Protein context (NP_004475.1, residues 263-283): SYCQGLMMVK[Pro273=]CGGYCNVVMQ